The following is an entry in ClinVar:

ClinVar aggregate classification (germline): Uncertain significance. Review status: criteria provided, multiple submitters, no conflicts (2 of 4 stars). 3 submissions from 3 submitters: Uncertain significance (3). Last evaluated 2022-08-23.

Allele frequency attached by ClinVar (database versions not stated): ExAC 0.00002; gnomAD exomes 0.00002; gnomAD 0.00003 and 0.00004; TOPMed 0.00004.
gnomAD v4.1: 150 of 1,594,552 alleles (0.0094%); highest among the groups gnomAD compares: Non-Finnish European, 0.012%; no homozygotes.

Submissions (3):

Blueprint Genetics
Classification: Uncertain significance. Last evaluated: 2022-08-23. Review status: criteria provided, single submitter. Criteria: ACMG Guidelines, 2015. Collection method: clinical testing. Allele origin: germline.

Labcorp Genetics (formerly Invitae), Labcorp
Classification: Uncertain significance. Last evaluated: 2022-03-31. Review status: criteria provided, single submitter. Criteria: Invitae Variant Classification Sherloc (09022015). Collection method: clinical testing. Allele origin: germline.
Comment: This sequence change replaces phenylalanine, which is neutral and non-polar, with leucine, which is neutral and non-polar, at codon 401 of the OCA2 protein (p.Phe401Leu). This variant is present in population databases (rs145880356, gnomAD 0.005%). This variant has not been reported in the literature in individuals affected with OCA2-related conditions. ClinVar contains an entry for this variant (Variation ID: 1338517). Advanced modeling of protein sequence and biophysical properties (such as structural, functional, and spatial information, amino acid conservation, physicochemical variation, residue mobility, and thermodynamic stability) performed at Invitae indicates that this missense variant is not expected to disrupt OCA2 protein function. In summary, the available evidence is currently insufficient to determine the role of this variant in disease. Therefore, it has been classified as a Variant of Uncertain Significance.

Genetic Services Laboratory, University of Chicago
Classification: Uncertain significance. Last evaluated: 2019-05-10. Review status: criteria provided, single submitter. Criteria: ACMG Guidelines, 2015. Collection method: clinical testing. Allele origin: germline. Affected: no.

NM_000275.3(OCA2):c.1201T>C (p.Phe401Leu)

Gene: OCA2 (OCA2 melanosomal transmembrane protein; minus strand). Cytogenetic location: 15q13.1.
Variant type: single nucleotide variant.
Coding change: c.1201T>C on transcript NM_000275.3 (MANE Select); coding-DNA position 1201, T replaced by C.
Protein change: p.Phe401Leu; replaces phenylalanine 401 with leucine.
Molecular consequence: missense variant.
Genome position (GRCh38, 1-based): chr15:27,986,625, A>G on the plus strand (T>C on the coding strand, the complement: OCA2 is on the minus strand). VCF-style: chr15-27986625-A-G. GRCh37 (hg19) VCF-style: chr15-28231771-A-G.
Other names: c.1129T>C, p.Phe377Leu (NM_001300984.2); short protein forms F377L, F401L.
Identifiers: ClinVar variation 1338517 (VCV001338517.9), dbSNP rs145880356, ClinGen allele CA7439145.
Genomic context (GRCh38, chr15:27,986,625, plus strand): 5'-TTAAATGCAACATCATACCTACCTTTACAGCACAATAATCGAAAAATCCCGTTTCTGAAA[A>G]TATGGCTACTAAGATCATCTATGGGGAAAAGAAGAAGACAAGGATAATCTTTTAGCAGGA-3'
Protein context (NP_000266.2, residues 391-411): LFGMMILVAI[Phe401Leu]SETGFFDYCA